The following is an entry in ClinVar:

NM_001330078.2(NRXN1):c.1566C>T (p.Gly522=)

Gene: NRXN1 (neurexin 1; minus strand). Cytogenetic location: 2p16.3.
Variant type: single nucleotide variant.
Coding change: c.1566C>T on transcript NM_001330078.2 (MANE Select); coding-DNA position 1566, C replaced by T.
Protein change: p.Gly522=; no amino-acid change (glycine 522 retained).
Molecular consequence: synonymous variant.
Genome position (GRCh38, 1-based): chr2:50,552,780, G>A on the plus strand (C>T on the coding strand, the complement: NRXN1 is on the minus strand). VCF-style: chr2-50552780-G-A. GRCh37 (hg19) VCF-style: chr2-50779918-G-A.
Other names: p.G562G:GGC>GGT; c.1686C>T, p.Gly562= (NM_001135659.3); c.1542C>T, p.Gly514= (NM_001330077.2, NM_001330082.2, NM_001330095.2); c.1527C>T, p.Gly509= (NM_001330083.2, NM_001330084.2); c.1566C>T, p.Gly522= (NM_001330085.2, NM_001330086.2, NM_004801.6); c.1482C>T, p.Gly494= (NM_001330087.2, NM_001330096.2); c.1512C>T, p.Gly504= (NM_001330088.2); c.1563C>T, p.Gly521= (NM_001330093.2); and 1 more.
Identifiers: ClinVar variation 206220 (VCV000206220.11), dbSNP rs199701804, ClinGen allele CA316089.

ClinVar aggregate classification (germline): Conflicting classifications of pathogenicity. Review status: criteria provided, conflicting classifications (1 of 4 stars). 2 submissions from 2 submitters: Uncertain significance (1); Likely benign (1). Last evaluated 2025-08-11.

Conditions:
Pitt-Hopkins-like syndrome 2 (PTHSL2). Identifiers: Orphanet 221150, Orphanet 600663, MedGen C3280479, MONDO:0013690, OMIM 614325.

Allele frequency attached by ClinVar (database versions not stated): gnomAD exomes 0.00001; TOPMed 0.00002; gnomAD 0.00003 and 0.00004.
gnomAD v4.1: 16 of 1,613,818 alleles (0.00099%); highest among the groups gnomAD compares: Middle Eastern, 0.033%; no homozygotes.

Submissions (2):

Labcorp Genetics (formerly Invitae), Labcorp
Classification: Likely benign for Pitt-Hopkins-like syndrome 2. Last evaluated: 2025-08-11. Review status: criteria provided, single submitter. Criteria: Invitae Variant Classification Sherloc (09022015). Collection method: clinical testing. Allele origin: germline.

GeneDx
Classification: Uncertain significance. Last evaluated: 2019-05-07. Review status: criteria provided, single submitter. Criteria: GeneDx Variant Classification Process June 2021. Collection method: clinical testing. Allele origin: germline. Affected: yes.
Comment: In silico analysis, which includes splice predictors and evolutionary conservation, suggests this variant may impact gene splicing. In the absence of RNA/functional studies, the actual effect of this sequence change is unknown; Has not been previously published as pathogenic or benign to our knowledge